The following is an entry in ClinVar:

NM_001625.4(AK2):c.523C>T (p.Arg175Ter)

Gene: AK2 (adenylate kinase 2; minus strand). Cytogenetic location: 1p35.1.
Variant type: single nucleotide variant.
Coding change: c.523C>T on transcript NM_001625.4 (MANE Select); coding-DNA position 523, C replaced by T.
Protein change: p.Arg175Ter; replaces arginine 175 with a stop codon.
Molecular consequence: nonsense. On other transcripts: 3 prime UTR variant (1), non-coding transcript variant (1).
Genome position (GRCh38, 1-based): chr1:33,013,378, G>A on the plus strand (C>T on the coding strand, the complement: AK2 is on the minus strand). VCF-style: chr1-33013378-G-A. GRCh37 (hg19) VCF-style: chr1-33478979-G-A.
Other names: c.499C>T, p.Arg167Ter (NM_001199199.3); c.379C>T, p.Arg127Ter (NM_001319139.3, NM_001319140.2); c.523C>T, p.Arg175Ter (NM_001319141.3, NM_013411.5); c.397C>T, p.Arg133Ter (NM_001319142.3); c.*26C>T (NM_001319143.2); short protein forms R127*, R133*, R167*, R175*.
Identifiers: ClinVar variation 4292743 (VCV004292743.1).

ClinVar aggregate classification (germline): Likely pathogenic (1 of 4 stars; one submission).

Conditions:
Reticular dysgenesis. Also called: DeVaal disease; ALEUKOCYTOSIS; CONGENITAL ALEUKIA; HEMATOPOIETIC HYPOPLASIA, GENERALIZED; RETICULAR DYSGENESIA; SEVERE COMBINED IMMUNODEFICIENCY WITH LEUKOPENIA. Identifiers: Orphanet 33355, MedGen C0272167, MONDO:0009973, OMIM 267500.

gnomAD v4.1: 9 of 1,614,024 alleles (0.00056%); highest among the groups gnomAD compares: Admixed American, 0.0083%; no homozygotes.

Submission:

3billion
Classification: Likely pathogenic for Reticular dysgenesis. Last evaluated: 2024-08-30. Review status: criteria provided, single submitter. Criteria: ACMG Guidelines, 2015. Collection method: clinical testing. Allele origin: germline. Affected: yes.
Comment: The variant is observed at an extremely low frequency in the gnomAD v4.0.0 dataset (total allele frequency: <0.001%). Predicted Consequence/Location: Stop-gained (nonsense): predicted to result in a loss or disruption of normal protein function through protein truncation. The predicted truncated protein may be shortened by more than 10%. Therefore, this variant is classified as Likely pathogenic according to the recommendation of ACMG/AMP guideline.